The following is an entry in ClinVar:

ClinVar aggregate classification (germline): Uncertain significance (1 of 4 stars; one submission).

Conditions:
Cardiovascular phenotype. Identifiers: MedGen CN230736.

Allele frequency attached by ClinVar (database versions not stated): ExAC 0.00001; gnomAD exomes 0.00002.
gnomAD v4.1: 26 of 1,613,258 alleles (0.0016%); highest among the groups gnomAD compares: Non-Finnish European, 0.0022%; no homozygotes.

Submission:

Ambry Genetics
Classification: Uncertain significance for Cardiovascular phenotype. Last evaluated: 2020-04-10. Review status: criteria provided, single submitter. Criteria: Ambry Variant Classification Scheme 2023. Collection method: clinical testing. Allele origin: germline.
Comment: The p.M13436I variant (also known as c.40308G>A), located in coding exon 146 of the TTN gene, results from a G to A substitution at nucleotide position 40308. The methionine at codon 13436 is replaced by isoleucine, an amino acid with highly similar properties. This amino acid position is well conserved in available vertebrate species. In addition, this alteration is predicted to be tolerated by in silico analysis. Since supporting evidence is limited at this time, the clinical significance of this alteration remains unclear.

NM_001267550.2(TTN):c.67503G>A (p.Met22501Ile)

Genes: TTN (titin; minus strand), TTN-AS1 (TTN antisense RNA 1; plus strand), LOC126806423 (CDK7 strongly-dependent group 2 enhancer GRCh37_chr2:179443309-179444508; plus strand). Cytogenetic location: 2q31.2.
Variant type: single nucleotide variant.
Coding change: c.67503G>A on transcript NM_001267550.2 (MANE Select); coding-DNA position 67503, G replaced by A.
Protein change: p.Met22501Ile; replaces methionine 22501 with isoleucine.
Molecular consequence: missense variant.
Genome position (GRCh38, 1-based): chr2:178,579,694, C>T on the plus strand (G>A on the coding strand, the complement: TTN is on the minus strand). VCF-style: chr2-178579694-C-T. GRCh37 (hg19) VCF-style: chr2-179444421-C-T.
Other names: c.62580G>A, p.Met20860Ile (NM_001256850.1); c.40308G>A, p.Met13436Ile (NM_003319.4); c.59799G>A, p.Met19933Ile (NM_133378.4); c.40683G>A, p.Met13561Ile (NM_133432.3); c.40884G>A, p.Met13628Ile (NM_133437.4); short protein forms M13436I, M19933I, M20860I, M13561I, M13628I, M22501I.
Identifiers: ClinVar variation 1737202 (VCV001737202.2), dbSNP rs751903421, ClinGen allele CA1991297.
Genomic context (GRCh38, chr2:178,579,694, plus strand): 5'-GAAGGTATATTCCTTCCCTTCAGTCAAATCTTTTGCAGAGTACTGTAGGCTTAAGGATTT[C>T]ATAACTCGTTGCCACTTATTTTCTTCAGTCAGGAAATCAACTACATATCCAATAATCCGA-3'
Protein context (NP_001254479.2, residues 22491-22511): LTEENKWQRV[Met22501Ile]KSLSLQYSAK